The following is an entry in ClinVar:

NM_006767.4(LZTR1):c.691T>A (p.Phe231Ile)

Gene: LZTR1 (leucine zipper like post translational regulator 1; plus strand). Cytogenetic location: 22q11.21.
Variant type: single nucleotide variant.
Coding change: c.691T>A on transcript NM_006767.4 (MANE Select); coding-DNA position 691, T replaced by A.
Protein change: p.Phe231Ile; replaces phenylalanine 231 with isoleucine.
Molecular consequence: missense variant.
Genome position (GRCh38, 1-based): chr22:20,990,425, T>A. VCF-style: chr22-20990425-T-A. GRCh37 (hg19) VCF-style: chr22-21344714-T-A.
Other names: short protein forms F231I.
Identifiers: ClinVar variation 3238324 (VCV003238324.1), dbSNP rs2518615726.
Genomic context (GRCh38, chr22:20,990,425, plus strand): 5'-AGCTGTCCTCTCCCCCTGCAGGTGGCCCAGAGTGGCGAGATCCCCCCATCTTGCTGCAAC[T>A]TCCCCGTGGCTGTGTGCCGGGACAAGATGTTTGTATTCTCTGGGCAAAGCGGAGCCAAAA-3'
Protein context (NP_006758.2, residues 221-241): SGEIPPSCCN[Phe231Ile]PVAVCRDKMF

ClinVar aggregate classification (germline): Uncertain significance (1 of 4 stars; one submission).

Conditions:
Hereditary cancer-predisposing syndrome. Also called: Neoplastic Syndromes, Hereditary; Tumor predisposition; Hereditary neoplastic syndrome; Hereditary Cancer Syndrome. Identifiers: Orphanet 140162, MedGen C0027672, MeSH D009386, MONDO:0015356.
Cardiovascular phenotype. Identifiers: MedGen CN230736.

Submission:

Ambry Genetics
Classification: Uncertain significance for Cardiovascular phenotype; Hereditary cancer-predisposing syndrome. Last evaluated: 2023-12-18. Review status: criteria provided, single submitter. Criteria: Ambry Variant Classification Scheme 2023. Collection method: clinical testing. Allele origin: germline.
Comment: The p.F231I variant (also known as c.691T>A), located in coding exon 8 of the LZTR1 gene, results from a T to A substitution at nucleotide position 691. The phenylalanine at codon 231 is replaced by isoleucine, an amino acid with highly similar properties. This amino acid position is conserved. In addition, the in silico prediction for this alteration is inconclusive. Since supporting evidence is limited at this time, the clinical significance of this alteration remains unclear.